The following is an entry in ClinVar:

ClinVar aggregate classification (germline): Conflicting classifications of pathogenicity. Review status: criteria provided, conflicting classifications (1 of 4 stars). 3 submissions from 3 submitters: Likely pathogenic (1); Uncertain significance (2). Last evaluated 2024-02-11.

Conditions:
Glycogen storage disease, type II (IOPD). Also called: Pompe Disease; POMPE DISEASE, INFANTILE-ONSET; GLYCOGEN STORAGE DISEASE II, INFANTILE-ONSET; ACID ALPHA-GLUCOSIDASE DEFICIENCY, INFANTILE-ONSET; GAA DEFICIENCY, INFANTILE-ONSET; ACID MALTASE DEFICIENCY, INFANTILE-ONSET. Identifiers: Orphanet 365, MedGen C0017921, MONDO:0009290, OMIM 232300.

Allele frequency attached by ClinVar (database versions not stated): TOPMed below 0.00001; gnomAD 0.00001; gnomAD exomes 0.00001 and 0.00002; ExAC 0.00003; 1000 Genomes Project 0.00020; 1000 Genomes Project 30x 0.00031.

Submissions (3):

Labcorp Genetics (formerly Invitae), Labcorp
Classification: Likely pathogenic for Glycogen storage disease, type II. Last evaluated: 2024-02-11. Review status: criteria provided, single submitter. Criteria: Invitae Variant Classification Sherloc (09022015). Collection method: clinical testing. Allele origin: germline.
Comment: This sequence change replaces arginine, which is basic and polar, with cysteine, which is neutral and slightly polar, at codon 154 of the GAA protein (p.Arg154Cys). This variant is present in population databases (rs539841659, gnomAD 0.03%). This variant has not been reported in the literature in individuals affected with GAA-related conditions. ClinVar contains an entry for this variant (Variation ID: 498074). Advanced modeling of protein sequence and biophysical properties (such as structural, functional, and spatial information, amino acid conservation, physicochemical variation, residue mobility, and thermodynamic stability) performed at Invitae indicates that this missense variant is expected to disrupt GAA protein function with a positive predictive value of 95%. This variant disrupts the p.Arg154 amino acid residue in GAA. Other variant(s) that disrupt this residue have been determined to be pathogenic (PMID: 18285536). This suggests that this residue is clinically significant, and that variants that disrupt this residue are likely to be disease-causing. In summary, the currently available evidence indicates that the variant is pathogenic, but additional data are needed to prove that conclusively. Therefore, this variant has been classified as Likely Pathogenic.

Fulgent Genetics
Classification: Uncertain significance for Glycogen storage disease, type II. Last evaluated: 2021-12-28. Review status: criteria provided, single submitter. Criteria: ACMG Guidelines, 2015. Collection method: clinical testing. Allele origin: unknown.

Eurofins Ntd Llc (ga)
Classification: Uncertain significance. Last evaluated: 2016-11-17. Review status: criteria provided, single submitter. Criteria: EGL Classification Definitions 2015. Collection method: clinical testing. Allele origin: germline. Observed: 1 variant allele, 1 heterozygote.

Literature cited by the submitters: PubMed 18285536 (cited by Labcorp Genetics (formerly Invitae), Labcorp).

NM_000152.5(GAA):c.460C>T (p.Arg154Cys)

Gene: GAA (alpha glucosidase; plus strand). Cytogenetic location: 17q25.3.
Variant type: single nucleotide variant.
Coding change: c.460C>T on transcript NM_000152.5 (MANE Select); coding-DNA position 460, C replaced by T.
Protein change: p.Arg154Cys; replaces arginine 154 with cysteine.
Molecular consequence: missense variant.
Genome position (GRCh38, 1-based): chr17:80,105,046, C>T. VCF-style: chr17-80105046-C-T. GRCh37 (hg19) VCF-style: chr17-78078845-C-T.
Other names: c.460C>T, p.Arg154Cys (NM_001079803.3, NM_001079804.3); short protein forms R154C.
Identifiers: ClinVar variation 498074 (VCV000498074.9), dbSNP rs539841659, ClinGen allele CA8814876.